The following is an entry in ClinVar:

ClinVar aggregate classification (germline): Conflicting classifications of pathogenicity. Review status: criteria provided, conflicting classifications (1 of 4 stars). 2 submissions from 2 submitters: Uncertain significance (1); Likely benign (1). Last evaluated 2025-07-07.

Allele frequency attached by ClinVar (database versions not stated): gnomAD exomes below 0.00001 and 0.00001; TOPMed below 0.00001; gnomAD 0.00001.
gnomAD v4.1: 6 of 1,614,030 alleles (0.00037%); highest among the groups gnomAD compares: East Asian, 0.0067%; no homozygotes.

Submissions (2):

Labcorp Genetics (formerly Invitae), Labcorp
Classification: Likely benign. Last evaluated: 2025-07-07. Review status: criteria provided, single submitter. Criteria: Invitae Variant Classification Sherloc (09022015). Collection method: clinical testing. Allele origin: germline.

GeneDx
Classification: Uncertain significance. Last evaluated: 2019-12-12. Review status: criteria provided, single submitter. Criteria: GeneDx Variant Classification Process June 2021. Collection method: clinical testing. Allele origin: germline. Affected: yes.
Comment: Has not been previously published as pathogenic or benign to our knowledge; In silico analysis, which includes splice predictors and evolutionary conservation, suggests this variant may impact gene splicing. In the absence of RNA/functional studies, the actual effect of this sequence change is unknown.

NM_000143.4(FH):c.219G>A (p.Val73=)

Gene: FH (fumarate hydratase; minus strand). Cytogenetic location: 1q43.
Variant type: single nucleotide variant.
Coding change: c.219G>A on transcript NM_000143.4 (MANE Select); coding-DNA position 219, G replaced by A.
Protein change: p.Val73=; no amino-acid change (valine 73 retained).
Molecular consequence: synonymous variant.
Genome position (GRCh38, 1-based): chr1:241,517,230, C>T on the plus strand (G>A on the coding strand, the complement: FH is on the minus strand). VCF-style: chr1-241517230-C-T. GRCh37 (hg19) VCF-style: chr1-241680530-C-T.
Identifiers: ClinVar variation 1161116 (VCV001161116.11), dbSNP rs1213056420, ClinGen allele CA424076585.